The following is an entry in ClinVar:

ClinVar aggregate classification (germline): Uncertain significance (1 of 4 stars; one submission).

Conditions:
Osteogenesis imperfecta type I (OI1). Also called: OI, TYPE I; OSTEOGENESIS IMPERFECTA TARDA; OSTEOGENESIS IMPERFECTA WITH BLUE SCLERAE; Osteogenesis imperfecta type 1; Lobstein disease; Classic Non-deforming Osteogenesis Imperfecta with Blue Sclerae. Identifiers: Orphanet 216796, Orphanet 666, MedGen C0023931, MONDO:0008146, OMIM 166200. Disease mechanism: loss of function.

Submission:

Labcorp Genetics (formerly Invitae), Labcorp
Classification: Uncertain significance for Osteogenesis imperfecta type I. Last evaluated: 2019-12-11. Review status: criteria provided, single submitter. Criteria: Invitae Variant Classification Sherloc (09022015). Collection method: clinical testing. Allele origin: germline.
Comment: In summary, the available evidence is currently insufficient to determine the role of this variant in disease. Therefore, it has been classified as a Variant of Uncertain Significance. Experimental studies and prediction algorithms are not available or were not evaluated, and the functional significance of this variant is currently unknown. This variant has not been reported in the literature in individuals with COL1A1-related conditions. This variant is not present in population databases (ExAC no frequency). This variant, c.1567_1569del, results in the deletion of 1 amino acid(s) of the COL1A1 protein (p.Pro523del), but otherwise preserves the integrity of the reading frame.

NM_000088.4(COL1A1):c.1567_1569del (p.Pro523del)

Gene: COL1A1 (collagen type I alpha 1 chain; minus strand). Cytogenetic location: 17q21.33.
Variant type: Deletion.
Coding change: c.1567_1569del on transcript NM_000088.4 (MANE Select); coding-DNA positions 1567 to 1569, 3 bases deleted (CCT; older notation c.1567_1569delCCT).
Protein change: p.Pro523del; deletes proline 523.
Molecular consequence: inframe deletion.
Genome position (GRCh38, 1-based): chr17:50,194,394-50,194,396, AGG deleted on the plus strand (CCT on the coding strand, the reverse complement: COL1A1 is on the minus strand); deleting any 3 consecutive bases within chr17:50,194,394-50,194,398 gives the same sequence; the c. name uses the placement nearest the transcript's 3' end. VCF-style (leftmost placement, unchanged base first): chr17-50194393-CAGG-C. GRCh37 (hg19) VCF-style: chr17-48271754-CAGG-C.
Other names: short protein forms P523del.
Identifiers: ClinVar variation 845755 (VCV000845755.8), dbSNP rs1907377085, ClinGen allele CA916081207.